The following is an entry in ClinVar:

ClinVar aggregate classification (germline): Uncertain significance (1 of 4 stars; one submission).

Submission:

GeneDx
Classification: Uncertain significance. Last evaluated: 2024-10-01. Review status: criteria provided, single submitter. Criteria: GeneDx Variant Classification Process June 2021. Collection method: clinical testing. Allele origin: germline. Affected: yes.
Comment: Not observed at significant frequency in large population cohorts (gnomAD); Frameshift variant predicted to result in protein truncation or nonsense mediated decay in a gene or region of a gene for which loss of function is not a well-established mechanism of disease; Has not been previously published as pathogenic or benign to our knowledge

NM_006922.4(SCN3A):c.235del (p.Asp79fs)

Gene: SCN3A (sodium voltage-gated channel alpha subunit 3; minus strand). Cytogenetic location: 2q24.3.
Variant type: Deletion.
Coding change: c.235del on transcript NM_006922.4 (MANE Select); coding-DNA position 235, one base deleted (G; older notation c.235delG).
Protein change: p.Asp79fs; shifts the reading frame from aspartic acid 79.
Molecular consequence: frameshift variant.
Genome position (GRCh38, 1-based): chr2:165,176,160, C deleted on the plus strand (G on the coding strand, the reverse complement: SCN3A is on the minus strand); the first of 2 consecutive C bases (chr2:165,176,160-165,176,161); deleting either gives the same sequence. VCF-style (leftmost placement, unchanged base first): chr2-165176159-TC-T. GRCh37 (hg19) VCF-style: chr2-166032669-TC-T.
Other names: c.235del, p.Asp79fs (NM_001081676.2, NM_001081677.2); short protein forms D79fs.
Identifiers: ClinVar variation 3776622 (VCV003776622.1).